The following is an entry in ClinVar:

NM_004333.6(BRAF):c.1597G>A (p.Glu533Lys)

Gene: BRAF (B-Raf proto-oncogene, serine/threonine kinase; minus strand). Cytogenetic location: 7q34.
Variant type: single nucleotide variant.
Coding change: c.1597G>A on transcript NM_004333.6 (MANE Select); coding-DNA position 1597, G replaced by A.
Protein change: p.Glu533Lys; replaces glutamic acid 533 with lysine.
Molecular consequence: missense variant.
Genome position (GRCh38, 1-based): chr7:140,777,009, C>T on the plus strand (G>A on the coding strand, the complement: BRAF is on the minus strand). VCF-style: chr7-140777009-C-T. GRCh37 (hg19) VCF-style: chr7-140476809-C-T.
Other names: c.1597G>A, p.Glu533Lys (NM_001378474.1, NM_001354609.2, NM_001378468.1); c.1333G>A, p.Glu445Lys (NM_001378475.1); c.1717G>A, p.Glu573Lys (NM_001374244.1, NM_001374258.1); c.1606G>A, p.Glu536Lys (NM_001378467.1); c.1531G>A, p.Glu511Lys (NM_001378469.1); c.1495G>A, p.Glu499Lys (NM_001378470.1); c.1486G>A, p.Glu496Lys (NM_001378471.1); c.1441G>A, p.Glu481Lys (NM_001378472.1, NM_001378473.1); short protein forms E445K, E573K, E496K, E511K, E536K, E481K, E499K, E533K.
Identifiers: ClinVar variation 3660328 (VCV003660328.2).
Genomic context (GRCh38, chr7:140,777,009, plus strand): 5'-GTTTGATCATCTCAAATTTGGTCTCAATGATATGGAGATGGTGATACAAGCTGGAGCCCT[C>T]ACACCACTGGGTAACAATAGCCAGTTGTGGCTTTGTGGAATAGCCCATGAAGAGTAGGAT-3'
Protein context (NP_004324.2, residues 523-543): PQLAIVTQWC[Glu533Lys]GSSLYHHLHI

ClinVar aggregate classification (germline): Uncertain significance (1 of 4 stars; one submission).

Conditions:
RASopathy. Also called: Noonan spectrum disorder; rasopathies. Identifiers: Orphanet 536391, MedGen C5555857, MONDO:0021060.

Submission:

Labcorp Genetics (formerly Invitae), Labcorp
Classification: Uncertain significance for RASopathy. Last evaluated: 2024-08-05. Review status: criteria provided, single submitter. Criteria: Invitae Variant Classification Sherloc (09022015). Collection method: clinical testing. Allele origin: germline.
Comment: This sequence change replaces glutamic acid, which is acidic and polar, with lysine, which is basic and polar, at codon 533 of the BRAF protein (p.Glu533Lys). This variant is not present in population databases (gnomAD no frequency). This variant has not been reported in the literature in individuals affected with BRAF-related conditions. Advanced modeling of protein sequence and biophysical properties (such as structural, functional, and spatial information, amino acid conservation, physicochemical variation, residue mobility, and thermodynamic stability) performed at Invitae indicates that this missense variant is not expected to disrupt BRAF protein function with a negative predictive value of 80%. In summary, the available evidence is currently insufficient to determine the role of this variant in disease. Therefore, it has been classified as a Variant of Uncertain Significance.